The following is an entry in ClinVar:

ClinVar aggregate classification (germline): Uncertain significance (1 of 4 stars; one submission).

Conditions:
Predisposition to invasive fungal disease due to CARD9 deficiency (IMD103). Also called: IMMUNODEFICIENCY 103, SUSCEPTIBILITY TO FUNGAL INFECTIONS; Candidiasis, familial, 2, autosomal recessive; CARD9 IMMUNODEFICIENCY. Identifiers: Orphanet 457088, MedGen C1859353, MONDO:0008905, OMIM 212050.

Allele frequency attached by ClinVar (database versions not stated): gnomAD exomes below 0.00001.
gnomAD v4.1: 6 of 1,606,852 alleles (0.00037%); no homozygotes.

Submission:

Labcorp Genetics (formerly Invitae), Labcorp
Classification: Uncertain significance for Predisposition to invasive fungal disease due to CARD9 deficiency. Last evaluated: 2025-07-07. Review status: criteria provided, single submitter. Criteria: Invitae Variant Classification Sherloc (09022015). Collection method: clinical testing. Allele origin: germline.
Comment: This sequence change replaces asparagine, which is neutral and polar, with serine, which is neutral and polar, at codon 53 of the CARD9 protein (p.Asn53Ser). This variant is present in population databases (rs377708969, gnomAD 0.004%). This variant has not been reported in the literature in individuals affected with CARD9-related conditions. ClinVar contains an entry for this variant (Variation ID: 1503641). Invitae Evidence Modeling of protein sequence and biophysical properties (such as structural, functional, and spatial information, amino acid conservation, physicochemical variation, residue mobility, and thermodynamic stability) indicates that this missense variant is not expected to disrupt CARD9 protein function with a negative predictive value of 80%. In summary, the available evidence is currently insufficient to determine the role of this variant in disease. Therefore, it has been classified as a Variant of Uncertain Significance.

NM_052813.5(CARD9):c.158A>G (p.Asn53Ser)

Gene: CARD9 (caspase recruitment domain family member 9; minus strand). Cytogenetic location: 9q34.3.
Variant type: single nucleotide variant.
Coding change: c.158A>G on transcript NM_052813.5 (MANE Select); coding-DNA position 158, A replaced by G.
Protein change: p.Asn53Ser; replaces asparagine 53 with serine.
Molecular consequence: missense variant.
Genome position (GRCh38, 1-based): chr9:136,371,921, T>C on the plus strand (A>G on the coding strand, the complement: CARD9 is on the minus strand). VCF-style: chr9-136371921-T-C. GRCh37 (hg19) VCF-style: chr9-139266373-T-C.
Other names: c.158A>G, p.Asn53Ser (NM_052814.4); short protein forms N53S.
Identifiers: ClinVar variation 1503641 (VCV001503641.8), dbSNP rs377708969, ClinGen allele CA201615741.